The following is an entry in ClinVar:

ClinVar aggregate classification (germline): Pathogenic (1 of 4 stars; one submission).

Conditions:
Dyskeratosis congenita. Identifiers: Orphanet 1775, MedGen C0265965, MONDO:0015780.

Allele frequency attached by ClinVar (database versions not stated): TOPMed below 0.00001; gnomAD 0.00001; gnomAD exomes 0.00001.

Submission:

Labcorp Genetics (formerly Invitae), Labcorp
Classification: Pathogenic for Dyskeratosis congenita. Last evaluated: 2025-10-23. Review status: criteria provided, single submitter. Criteria: Invitae Variant Classification Sherloc (09022015). Collection method: clinical testing. Allele origin: germline.
Comment: This sequence change creates a premature translational stop signal (p.Ile147Lysfs*45) in the CTC1 gene. It is expected to result in an absent or disrupted protein product. Loss-of-function variants in CTC1 are known to be pathogenic (PMID: 22267198, 22387016). This variant is not present in population databases (gnomAD no frequency). This variant has not been reported in the literature in individuals affected with CTC1-related conditions. ClinVar contains an entry for this variant (Variation ID: 529178). For these reasons, this variant has been classified as Pathogenic.

Literature cited by the submitters: PubMed 22267198; PubMed 22387016.

NM_025099.6(CTC1):c.440del (p.Ile147fs)

Gene: CTC1 (CST telomere replication complex component 1; minus strand). Cytogenetic location: 17p13.1.
Variant type: Deletion.
Coding change: c.440del on transcript NM_025099.6 (MANE Select); coding-DNA position 440, one base deleted (T; older notation c.440delT).
Protein change: p.Ile147fs; shifts the reading frame from isoleucine 147.
Molecular consequence: frameshift variant. On other transcripts: non-coding transcript variant (1).
Genome position (GRCh38, 1-based): chr17:8,238,238, A deleted on the plus strand (T on the coding strand, the reverse complement: CTC1 is on the minus strand). VCF-style (leftmost placement, unchanged base first): chr17-8238237-TA-T. GRCh37 (hg19) VCF-style: chr17-8141555-TA-T.
Other names: short protein forms I147fs.
Identifiers: ClinVar variation 529178 (VCV000529178.6), dbSNP rs1196342305, ClinGen allele CA658798715.